The following is an entry in ClinVar:

NM_006618.5(KDM5B):c.999T>C (p.Ser333=)

Gene: KDM5B (lysine demethylase 5B; minus strand). Cytogenetic location: 1q32.1.
Variant type: single nucleotide variant.
Coding change: c.999T>C on transcript NM_006618.5 (MANE Select); coding-DNA position 999, T replaced by C.
Protein change: p.Ser333=; no amino-acid change (serine 333 retained).
Molecular consequence: synonymous variant.
Genome position (GRCh38, 1-based): chr1:202,760,493, A>G on the plus strand (T>C on the coding strand, the complement: KDM5B is on the minus strand). VCF-style: chr1-202760493-A-G. GRCh37 (hg19) VCF-style: chr1-202729621-A-G.
Other names: c.1107T>C, p.Ser369= (NM_001314042.2); c.864T>C, p.Ser288= (NM_001347591.2); c.984T>C, p.Ser328= (NM_001399817.1).
Identifiers: ClinVar variation 3040742 (VCV003040742.2), dbSNP rs145759381, ClinGen allele CA1334820.

ClinVar aggregate classification (germline): Likely benign (0 of 4 stars; one submission).

Conditions:
KDM5B-related disorder. Also called: KDM5B-related condition.

Allele frequency attached by ClinVar (database versions not stated): TOPMed 0.00006; gnomAD 0.00007; gnomAD exomes 0.00010; ExAC 0.00016; ESP Exome Variant Server 0.00015.
gnomAD v4.1: 156 of 1,613,540 alleles (0.0097%); highest among the groups gnomAD compares: South Asian, 0.037%; no homozygotes.

Submission:

PreventionGenetics, part of Exact Sciences
Classification: Likely benign for KDM5B-related condition. Last evaluated: 2019-09-10. Review status: no assertion criteria provided. Collection method: clinical testing. Allele origin: germline.
Comment: This variant is classified as likely benign based on ACMG/AMP sequence variant interpretation guidelines (Richards et al. 2015 PMID: 25741868, with internal and published modifications).